The following is an entry in ClinVar:

NM_007294.4(BRCA1):c.641A>T (p.Asp214Val)

Gene: BRCA1 (BRCA1 DNA repair associated; minus strand). Cytogenetic location: 17q21.31.
Variant type: single nucleotide variant.
Coding change: c.641A>T on transcript NM_007294.4 (MANE Select); coding-DNA position 641, A replaced by T.
Protein change: p.Asp214Val; replaces aspartic acid 214 with valine.
Molecular consequence: missense variant. On other transcripts: non-coding transcript variant (1).
Genome position (GRCh38, 1-based): chr17:43,095,875, T>A on the plus strand (A>T on the coding strand, the complement: BRCA1 is on the minus strand). VCF-style: chr17-43095875-T-A. GRCh37 (hg19) VCF-style: chr17-41247892-T-A.
Other names: c.428A>T, p.Asp143Val (NM_001407571.1, NM_001407853.1, NM_001407894.1 and 12 more transcripts); c.641A>T, p.Asp214Val (NM_001407581.1, NM_001407582.1, NM_001407583.1 and 59 more transcripts); c.638A>T, p.Asp213Val (NM_001407587.1, NM_001407590.1, NM_001407591.1 and 41 more transcripts); c.632A>T, p.Asp211Val (NM_001407646.1, NM_001407647.1, NM_001408408.1); c.563A>T, p.Asp188Val (NM_001407653.1, NM_001407654.1, NM_001407655.1 and 9 more transcripts); c.560A>T, p.Asp187Val (NM_001407659.1, NM_001407660.1, NM_001407661.1 and 3 more transcripts); c.500A>T, p.Asp167Val (NM_001407692.1, NM_001407694.1, NM_001407695.1 and 43 more transcripts); c.497A>T, p.Asp166Val (NM_001407740.1, NM_001407741.1, NM_001407742.1 and 26 more transcripts); and 4 more; short protein forms D167V, D214V, D213V, D143V, D144V, D211V, D169V, D188V.
Identifiers: ClinVar variation 1010063 (VCV001010063.18), dbSNP rs55680408, ClinGen allele CA10600822.

ClinVar aggregate classification (germline): Uncertain significance. Review status: criteria provided, multiple submitters, no conflicts (2 of 4 stars). 3 submissions from 3 submitters: Uncertain significance (3). Last evaluated 2024-07-16.

Conditions:
Hereditary cancer-predisposing syndrome. Also called: Tumor predisposition; Hereditary Cancer Syndrome; Hereditary neoplastic syndrome; Neoplastic Syndromes, Hereditary. Identifiers: Orphanet 140162, MedGen C0027672, MeSH D009386, MONDO:0015356.
Breast-ovarian cancer, familial, susceptibility to, 1 (BROVCA1). Also called: BRCA1 Hereditary Breast and Ovarian Cancer; OVARIAN CANCER, SUSCEPTIBILITY TO. Identifiers: Orphanet 145, MedGen C2676676, MONDO:0011450, OMIM 604370. Disease mechanism: loss of function.
Hereditary breast ovarian cancer syndrome. Also called: Hereditary breast and ovarian cancer syndrome; Hereditary breast and ovarian cancer syndrome (HBOC); Breast and ovarian cancer; Hereditary breast and ovarian cancer; Hereditary breast and/or ovarian cancer syndrome; BRCA1- and BRCA2-Associated Hereditary Breast and Ovarian Cancer. Identifiers: Orphanet 145, MedGen C0677776, MeSH D061325, MONDO:0003582. Disease mechanism: loss of function.

Submissions (3):

Molecular Pathology, Peter Maccallum Cancer Centre
Classification: Uncertain significance for Breast-ovarian cancer, familial, susceptibility to, 1. Last evaluated: 2024-07-16. Review status: criteria provided, single submitter. Criteria: ACMG Guidelines, 2015. Collection method: clinical testing. Allele origin: germline. Inheritance: Autosomal dominant inheritance.

Ambry Genetics
Classification: Uncertain significance for Hereditary cancer-predisposing syndrome. Last evaluated: 2023-06-09. Review status: criteria provided, single submitter. Criteria: Ambry Variant Classification Scheme 2023. Collection method: clinical testing. Allele origin: germline.
Comment: The p.D214V variant (also known as c.641A>T), located in coding exon 8 of the BRCA1 gene, results from an A to T substitution at nucleotide position 641. The aspartic acid at codon 214 is replaced by valine, an amino acid with highly dissimilar properties. This amino acid position is not well conserved in available vertebrate species. In addition, this alteration is predicted to be deleterious by in silico analysis. This nucleotide position is not well conserved in available vertebrate species. In silico splice site analysis for this alteration is inconclusive; however, direct evidence is insufficient at this time (Ambry internal data). However, a known in-frame, alternative isoform which removes coding exons 8 and 9 (total exons 9 and 10 in the literature) may result in a protein that removes this alteration and maintains protein function (Colombo et al. Hum Mol Genet 2014 Jul;23(14):3666-80; de la Hoya M et al. Hum Mol Genet 2016 Jun;25(11):2256-2268; Brand&atilde;o RD et al. Int J Cancer 2019 Jul;145(2):401-414). Since supporting evidence is limited at this time, the clinical significance of this alteration remains unclear.

Labcorp Genetics (formerly Invitae), Labcorp
Classification: Uncertain significance for Hereditary breast ovarian cancer syndrome. Last evaluated: 2022-10-29. Review status: criteria provided, single submitter. Criteria: Invitae Variant Classification Sherloc (09022015). Collection method: clinical testing. Allele origin: germline.
Comment: Loss-of-function variants in BRCA1 are expected to be pathogenic (PMID: 20104584). However, an in-frame BRCA1 isoform lacking exons 8 and 9 (also known as exons 9 and 10) is highly expressed in blood from unaffected individuals and in normal breast tissue; this isoform may retain protein function and could functionally rescue loss-of-function variants within exons 8-9 (PMID: 24569164). Studies have shown that this missense change is associated with altered splicing resulting in unknown protein product impact (Invitae). Advanced modeling of protein sequence and biophysical properties (such as structural, functional, and spatial information, amino acid conservation, physicochemical variation, residue mobility, and thermodynamic stability) performed at Invitae indicates that this missense variant is not expected to disrupt BRCA1 protein function. ClinVar contains an entry for this variant (Variation ID: 1010063). This variant has not been reported in the literature in individuals affected with BRCA1-related conditions. This variant is not present in population databases (gnomAD no frequency). This sequence change replaces aspartic acid, which is acidic and polar, with valine, which is neutral and non-polar, at codon 214 of the BRCA1 protein (p.Asp214Val). In summary, the available evidence is currently insufficient to determine the role of this variant in disease. Therefore, it has been classified as a Variant of Uncertain Significance.

Literature cited by the submitters: PubMed 24569164 (cited by Ambry Genetics and Labcorp Genetics (formerly Invitae), Labcorp); PubMed 27008870 (cited by Ambry Genetics); PubMed 30623411 (cited by Ambry Genetics); PubMed 20104584 (cited by Labcorp Genetics (formerly Invitae), Labcorp).